The following is an entry in ClinVar:

ClinVar aggregate classification (germline): Uncertain significance (1 of 4 stars; one submission).

Conditions:
Hyperaldosteronism, familial, type IV (HALD4). Also called: FH IV; ALDOSTERONISM, PRIMARY, AND HYPERTENSION. Identifiers: Orphanet 642671, MedGen C4310756, MONDO:0014875, OMIM 617027.
Idiopathic generalized epilepsy. Also called: Generalised epilepsy; EIG. Identifiers: MedGen C0270850, MONDO:0005579, OMIM 600669.

Submission:

Labcorp Genetics (formerly Invitae), Labcorp
Classification: Uncertain significance for Idiopathic generalized epilepsy; Hyperaldosteronism, familial, type IV. Last evaluated: 2023-10-03. Review status: criteria provided, single submitter. Criteria: Invitae Variant Classification Sherloc (09022015). Collection method: clinical testing. Allele origin: germline.
Comment: This sequence change replaces valine, which is neutral and non-polar, with glycine, which is neutral and non-polar, at codon 664 of the CACNA1H protein (p.Val664Gly). This variant is not present in population databases (gnomAD no frequency). This variant has not been reported in the literature in individuals affected with CACNA1H-related conditions. ClinVar contains an entry for this variant (Variation ID: 2128975). Advanced modeling of protein sequence and biophysical properties (such as structural, functional, and spatial information, amino acid conservation, physicochemical variation, residue mobility, and thermodynamic stability) performed at Invitae indicates that this missense variant is not expected to disrupt CACNA1H protein function. Algorithms developed to predict the effect of sequence changes on RNA splicing suggest that this variant may disrupt the consensus splice site. In summary, the available evidence is currently insufficient to determine the role of this variant in disease. Therefore, it has been classified as a Variant of Uncertain Significance.

NM_021098.3(CACNA1H):c.1991T>G (p.Val664Gly)

Gene: CACNA1H (calcium voltage-gated channel subunit alpha1 H; plus strand). Cytogenetic location: 16p13.3.
Variant type: single nucleotide variant.
Coding change: c.1991T>G on transcript NM_021098.3 (MANE Select); coding-DNA position 1991, T replaced by G.
Protein change: p.Val664Gly; replaces valine 664 with glycine.
Molecular consequence: missense variant.
Genome position (GRCh38, 1-based): chr16:1,202,441, T>G. VCF-style: chr16-1202441-T-G. GRCh37 (hg19) VCF-style: chr16-1252441-T-G.
Other names: c.1991T>G, p.Val664Gly (NM_001005407.2); short protein forms V664G.
Identifiers: ClinVar variation 2128975 (VCV002128975.4), dbSNP rs4984636, ClinGen allele CA394164096.